The following is an entry in ClinVar:

ClinVar aggregate classification (germline): Uncertain significance (1 of 4 stars; one submission).

Conditions:
Spastic paraplegia. Identifiers: MedGen C0037772, HP:0001258.

gnomAD v4.1: 2 of 1,614,146 alleles (0.00012%); highest among the groups gnomAD compares: East Asian, 0.0045%; no homozygotes.

Submission:

Labcorp Genetics (formerly Invitae), Labcorp
Classification: Uncertain significance for Spastic paraplegia. Last evaluated: 2026-01-30. Review status: criteria provided, single submitter. Criteria: Invitae Variant Classification Sherloc (09022015). Collection method: clinical testing. Allele origin: germline.
Comment: This sequence change replaces lysine, which is basic and polar, with arginine, which is basic and polar, at codon 29 of the KIF5A protein (p.Lys29Arg). This variant is not present in population databases (gnomAD no frequency). This missense change has been observed in individual(s) with amyotrophic lateral sclerosis (PMID: 31422367, 38927616). Invitae Evidence Modeling of protein sequence and biophysical properties (such as structural, functional, and spatial information, amino acid conservation, physicochemical variation, residue mobility, and thermodynamic stability) indicates that this missense variant is not expected to disrupt KIF5A protein function with a negative predictive value of 95%. In summary, the available evidence is currently insufficient to determine the role of this variant in disease. Therefore, it has been classified as a Variant of Uncertain Significance.

Literature cited by the submitters: PubMed 31422367; PubMed 38927616.

NM_004984.4(KIF5A):c.86A>G (p.Lys29Arg)

Gene: KIF5A (kinesin family member 5A; plus strand). Cytogenetic location: 12q13.3.
Variant type: single nucleotide variant.
Coding change: c.86A>G on transcript NM_004984.4 (MANE Select); coding-DNA position 86, A replaced by G.
Protein change: p.Lys29Arg; replaces lysine 29 with arginine.
Molecular consequence: missense variant.
Genome position (GRCh38, 1-based): chr12:57,550,357, A>G. VCF-style: chr12-57550357-A-G. GRCh37 (hg19) VCF-style: chr12-57944140-A-G.
Other names: c.86A>G, p.Lys29Arg (NM_001354705.2); short protein forms K29R.
Identifiers: ClinVar variation 4709542 (VCV004709542.1).